The following is an entry in ClinVar:

NM_006214.4(PHYH):c.925C>T (p.His309Tyr)

Gene: PHYH (phytanoyl-CoA 2-hydroxylase; minus strand). Cytogenetic location: 10p13.
Variant type: single nucleotide variant.
Coding change: c.925C>T on transcript NM_006214.4 (MANE Select); coding-DNA position 925, C replaced by T.
Protein change: p.His309Tyr; replaces histidine 309 with tyrosine.
Molecular consequence: missense variant.
Genome position (GRCh38, 1-based): chr10:13,281,014, G>A on the plus strand (C>T on the coding strand, the complement: PHYH is on the minus strand). VCF-style: chr10-13281014-G-A. GRCh37 (hg19) VCF-style: chr10-13323014-G-A.
Other names: c.625C>T, p.His209Tyr (NM_001037537.2, NM_001323080.2); c.931C>T, p.His311Tyr (NM_001323082.2); c.661C>T, p.His221Tyr (NM_001323083.2); c.631C>T, p.His211Tyr (NM_001323084.2); short protein forms H311Y, H209Y, H211Y, H309Y, H221Y.
Identifiers: ClinVar variation 2150759 (VCV002150759.4), dbSNP rs2538629386, ClinGen allele CA376051282.

ClinVar aggregate classification (germline): Uncertain significance (1 of 4 stars; one submission).

Submission:

Labcorp Genetics (formerly Invitae), Labcorp
Classification: Uncertain significance. Last evaluated: 2024-01-29. Review status: criteria provided, single submitter. Criteria: Invitae Variant Classification Sherloc (09022015). Collection method: clinical testing. Allele origin: germline.
Comment: This sequence change replaces histidine, which is basic and polar, with tyrosine, which is neutral and polar, at codon 309 of the PHYH protein (p.His309Tyr). This variant is not present in population databases (gnomAD no frequency). This variant has not been reported in the literature in individuals affected with PHYH-related conditions. ClinVar contains an entry for this variant (Variation ID: 2150759). An algorithm developed to predict the effect of missense changes on protein structure and function (PolyPhen-2) suggests that this variant is likely to be tolerated. In summary, the available evidence is currently insufficient to determine the role of this variant in disease. Therefore, it has been classified as a Variant of Uncertain Significance.